The following is an entry in ClinVar:

NM_016239.4(MYO15A):c.5639G>A (p.Gly1880Glu)

Gene: MYO15A (myosin XVA; plus strand). Cytogenetic location: 17p11.2.
Variant type: single nucleotide variant.
Coding change: c.5639G>A on transcript NM_016239.4 (MANE Select); coding-DNA position 5639, G replaced by A.
Protein change: p.Gly1880Glu; replaces glycine 1880 with glutamic acid.
Molecular consequence: missense variant.
Genome position (GRCh38, 1-based): chr17:18,141,760, G>A. VCF-style: chr17-18141760-G-A. GRCh37 (hg19) VCF-style: chr17-18045074-G-A.
Other names: short protein forms G1880E.
Identifiers: ClinVar variation 2102302 (VCV002102302.4), dbSNP rs2046386694, ClinGen allele CA398602934.

ClinVar aggregate classification (germline): Uncertain significance (1 of 4 stars; one submission).

Allele frequency attached by ClinVar (database versions not stated): gnomAD exomes below 0.00001; TOPMed below 0.00001.

Submission:

Labcorp Genetics (formerly Invitae), Labcorp
Classification: Uncertain significance. Last evaluated: 2022-02-23. Review status: criteria provided, single submitter. Criteria: Invitae Variant Classification Sherloc (09022015). Collection method: clinical testing. Allele origin: germline.
Comment: This missense change has been observed in individual(s) with autosomal recessive deafness (Invitae). This sequence change replaces glycine, which is neutral and non-polar, with glutamic acid, which is acidic and polar, at codon 1880 of the MYO15A protein (p.Gly1880Glu). This variant is not present in population databases (gnomAD no frequency). Algorithms developed to predict the effect of missense changes on protein structure and function are either unavailable or do not agree on the potential impact of this missense change (SIFT: "Deleterious"; PolyPhen-2: "Not Available"; Align-GVGD: "Class C65"). In summary, the available evidence is currently insufficient to determine the role of this variant in disease. Therefore, it has been classified as a Variant of Uncertain Significance.